The following is an entry in ClinVar:

NM_022114.4(PRDM16):c.2940-16C>T

Gene: PRDM16 (PR/SET domain 16; plus strand). Cytogenetic location: 1p36.32.
Variant type: single nucleotide variant.
Coding change: c.2940-16C>T on transcript NM_022114.4 (MANE Select); 16 bases into the intron before coding-DNA position 2940, C replaced by T.
Molecular consequence: intron variant.
Genome position (GRCh38, 1-based): chr1:3,425,565, C>T. VCF-style: chr1-3425565-C-T. GRCh37 (hg19) VCF-style: chr1-3342129-C-T.
Other names: c.2940-16C>T (NM_199454.3).
Identifiers: ClinVar variation 518045 (VCV000518045.6), dbSNP rs374845861, ClinGen allele CA544675.

ClinVar aggregate classification (germline): Likely benign. Review status: criteria provided, multiple submitters, no conflicts (2 of 4 stars). 3 submissions from 3 submitters: Likely benign (3). Last evaluated 2024-11-18.

Conditions:
Left ventricular noncompaction 8 (LVNC8). Identifiers: Orphanet 154, Orphanet 54260, MedGen C3809288, MONDO:0014152, OMIM 615373.

Allele frequency attached by ClinVar (database versions not stated): gnomAD 0.00001 and 0.00002; TOPMed 0.00002; ExAC 0.00004; gnomAD exomes 0.00004 and 0.00006; ESP Exome Variant Server 0.00008.
gnomAD v4.1: 85 of 1,612,546 alleles (0.0053%); highest among the groups gnomAD compares: Middle Eastern, 0.016%; no homozygotes.

Submissions (3):

Labcorp Genetics (formerly Invitae), Labcorp
Classification: Likely benign for Left ventricular noncompaction 8. Last evaluated: 2024-11-18. Review status: criteria provided, single submitter. Criteria: Invitae Variant Classification Sherloc (09022015). Collection method: clinical testing. Allele origin: germline.

Blueprint Genetics
Classification: Likely benign. Last evaluated: 2020-06-18. Review status: criteria provided, single submitter. Criteria: ACMG Guidelines, 2015. Collection method: clinical testing. Allele origin: germline.

GeneDx
Classification: Likely benign. Last evaluated: 2017-06-20. Review status: criteria provided, single submitter. Criteria: GeneDx Variant Classification (06012015). Collection method: clinical testing. Allele origin: germline. Affected: yes.
Comment: This variant is considered likely benign or benign based on one or more of the following criteria: it is a conservative change, it occurs at a poorly conserved position in the protein, it is predicted to be benign by multiple in silico algorithms, and/or has population frequency not consistent with disease.